The following is an entry in ClinVar:

ClinVar aggregate classification (germline): Uncertain significance (1 of 4 stars; one submission).

Conditions:
Hypertrophic cardiomyopathy. Also called: HYPERTROPHIC MYOCARDIOPATHY. Identifiers: Orphanet 217569, MedGen C0007194, MeSH D002312, MONDO:0005045, HP:0001639.

Allele frequency attached by ClinVar (database versions not stated): gnomAD exomes below 0.00001 and 0.00001; gnomAD 0.00001; TOPMed 0.00002.
gnomAD v4.1: 5 of 1,613,026 alleles (0.00031%); highest among the groups gnomAD compares: African/African-American, 0.0053%; no homozygotes.

Submission:

Labcorp Genetics (formerly Invitae), Labcorp
Classification: Uncertain significance for Hypertrophic cardiomyopathy. Last evaluated: 2025-06-22. Review status: criteria provided, single submitter. Criteria: Invitae Variant Classification Sherloc (09022015). Collection method: clinical testing. Allele origin: germline.
Comment: This sequence change replaces proline, which is neutral and non-polar, with leucine, which is neutral and non-polar, at codon 533 of the MYOM1 protein (p.Pro533Leu). The frequency data for this variant in the population databases is considered unreliable, as metrics indicate poor data quality at this position in the gnomAD database. This variant has not been reported in the literature in individuals affected with MYOM1-related conditions. ClinVar contains an entry for this variant (Variation ID: 1357753). Invitae Evidence Modeling of protein sequence and biophysical properties (such as structural, functional, and spatial information, amino acid conservation, physicochemical variation, residue mobility, and thermodynamic stability) indicates that this missense variant is expected to disrupt MYOM1 protein function with a positive predictive value of 80%. In summary, the available evidence is currently insufficient to determine the role of this variant in disease. Therefore, it has been classified as a Variant of Uncertain Significance.

NM_003803.4(MYOM1):c.1598C>T (p.Pro533Leu)

Gene: MYOM1 (myomesin 1; minus strand). Cytogenetic location: 18p11.31.
Variant type: single nucleotide variant.
Coding change: c.1598C>T on transcript NM_003803.4 (MANE Select); coding-DNA position 1598, C replaced by T.
Protein change: p.Pro533Leu; replaces proline 533 with leucine.
Molecular consequence: missense variant.
Genome position (GRCh38, 1-based): chr18:3,154,992, G>A on the plus strand (C>T on the coding strand, the complement: MYOM1 is on the minus strand). VCF-style: chr18-3154992-G-A. GRCh37 (hg19) VCF-style: chr18-3154990-G-A.
Other names: c.1598C>T, p.Pro533Leu (NM_019856.2); short protein forms P533L.
Identifiers: ClinVar variation 1357753 (VCV001357753.6), dbSNP rs978269307, ClinGen allele CA295532847.